The following is an entry in ClinVar:

ClinVar aggregate classification (germline): Uncertain significance (1 of 4 stars; one submission).

Conditions:
Cardiovascular phenotype. Identifiers: MedGen CN230736.

Submission:

Ambry Genetics
Classification: Uncertain significance for Cardiovascular phenotype. Last evaluated: 2019-12-11. Review status: criteria provided, single submitter. Criteria: Ambry Variant Classification Scheme 2023. Collection method: clinical testing. Allele origin: germline.
Comment: The p.D11050H variant (also known as c.33148G>C), located in coding exon 131 of the TTN gene, results from a G to C substitution at nucleotide position 33148. The aspartic acid at codon 11050 is replaced by histidine, an amino acid with similar properties. This amino acid position is well conserved in available vertebrate species. In addition, this alteration is predicted to be tolerated by in silico analysis. Since supporting evidence is limited at this time, the clinical significance of this alteration remains unclear.

NM_001267550.2(TTN):c.60343G>C (p.Asp20115His)

Genes: TTN (titin; minus strand), TTN-AS1 (TTN antisense RNA 1; plus strand). Cytogenetic location: 2q31.2.
Variant type: single nucleotide variant.
Coding change: c.60343G>C on transcript NM_001267550.2 (MANE Select); coding-DNA position 60343, G replaced by C.
Protein change: p.Asp20115His; replaces aspartic acid 20115 with histidine.
Molecular consequence: missense variant.
Genome position (GRCh38, 1-based): chr2:178,591,382, C>G on the plus strand (G>C on the coding strand, the complement: TTN is on the minus strand). VCF-style: chr2-178591382-C-G. GRCh37 (hg19) VCF-style: chr2-179456109-C-G.
Other names: c.55420G>C, p.Asp18474His (NM_001256850.1); c.33148G>C, p.Asp11050His (NM_003319.4); c.52639G>C, p.Asp17547His (NM_133378.4); c.33523G>C, p.Asp11175His (NM_133432.3); c.33724G>C, p.Asp11242His (NM_133437.4); short protein forms D11242H, D11050H, D17547H, D18474H, D20115H, D11175H.
Identifiers: ClinVar variation 1730115 (VCV001730115.2), dbSNP rs369893671, ClinGen allele CA349485221.